The following is an entry in ClinVar:

ClinVar aggregate classification (germline): Uncertain significance. Review status: criteria provided, multiple submitters, no conflicts (2 of 4 stars). 2 submissions from 2 submitters: Uncertain significance (2). Last evaluated 2025-07-01.

Conditions:
Cardiovascular phenotype. Identifiers: MedGen CN230736.
Hereditary cancer-predisposing syndrome. Also called: Tumor predisposition; Hereditary neoplastic syndrome; Hereditary Cancer Syndrome; Neoplastic Syndromes, Hereditary. Identifiers: Orphanet 140162, MedGen C0027672, MeSH D009386, MONDO:0015356.

Allele frequency attached by ClinVar (database versions not stated): gnomAD exomes below 0.00001; TOPMed 0.00001.
gnomAD v4.1: 1 of 1,612,818 alleles (0.000062%); highest among the groups gnomAD compares: Non-Finnish European, 0.000085%; no homozygotes.

Submissions (2):

Ambry Genetics
Classification: Uncertain significance for Cardiovascular phenotype; Hereditary cancer-predisposing syndrome. Last evaluated: 2025-07-01. Review status: criteria provided, single submitter. Criteria: Ambry Variant Classification Scheme 2023. Collection method: clinical testing. Allele origin: germline.
Comment: The p.T464I variant (also known as c.1391C>T), located in coding exon 13 of the LZTR1 gene, results from a C to T substitution at nucleotide position 1391. The threonine at codon 464 is replaced by isoleucine, an amino acid with similar properties. This amino acid position is conserved. In addition, this alteration is predicted to be deleterious by in silico analysis. Based on the available evidence, the clinical significance of this variant remains unclear.

Labcorp Genetics (formerly Invitae), Labcorp
Classification: Uncertain significance. Last evaluated: 2025-06-29. Review status: criteria provided, single submitter. Criteria: Invitae Variant Classification Sherloc (09022015). Collection method: clinical testing. Allele origin: germline.
Comment: This sequence change replaces threonine, which is neutral and polar, with isoleucine, which is neutral and non-polar, at codon 464 of the LZTR1 protein (p.Thr464Ile). This variant is present in population databases (no rsID available, gnomAD no frequency). This variant has not been reported in the literature in individuals affected with LZTR1-related conditions. ClinVar contains an entry for this variant (Variation ID: 2980500). Invitae Evidence Modeling of protein sequence and biophysical properties (such as structural, functional, and spatial information, amino acid conservation, physicochemical variation, residue mobility, and thermodynamic stability) indicates that this missense variant is not expected to disrupt LZTR1 protein function with a negative predictive value of 80%. In summary, the available evidence is currently insufficient to determine the role of this variant in disease. Therefore, it has been classified as a Variant of Uncertain Significance.

NM_006767.4(LZTR1):c.1391C>T (p.Thr464Ile)

Gene: LZTR1 (leucine zipper like post translational regulator 1; plus strand). Cytogenetic location: 22q11.21.
Variant type: single nucleotide variant.
Coding change: c.1391C>T on transcript NM_006767.4 (MANE Select); coding-DNA position 1391, C replaced by T.
Protein change: p.Thr464Ile; replaces threonine 464 with isoleucine.
Molecular consequence: missense variant.
Genome position (GRCh38, 1-based): chr22:20,993,961, C>T. VCF-style: chr22-20993961-C-T. GRCh37 (hg19) VCF-style: chr22-21348250-C-T.
Other names: c.1391C>T (NM_006767.3); short protein forms T464I.
Identifiers: ClinVar variation 2980500 (VCV002980500.3), dbSNP rs950620957, ClinGen allele CA322268895.